The following is an entry in ClinVar:

ClinVar aggregate classification (germline): Uncertain significance. Review status: criteria provided, multiple submitters, no conflicts (2 of 4 stars). 3 submissions from 3 submitters: Uncertain significance (3). Last evaluated 2026-02-25.

Conditions:
RYR1-related disorder. Also called: RYR1-related disorders; RYR1-related condition. Identifiers: MedGen CN239331.

gnomAD v4.1: 1 of 1,614,174 alleles (0.000062%); highest among the groups gnomAD compares: Non-Finnish European, 0.000085%; no homozygotes.

Submissions (3):

GeneDx
Classification: Uncertain significance. Last evaluated: 2026-02-25. Review status: criteria provided, single submitter. Criteria: GeneDx Variant Classification Process June 2021. Collection method: clinical testing. Allele origin: germline.
Comment: Not observed at significant frequency in large population cohorts (gnomAD); In silico analysis supports that this missense variant has a deleterious effect on protein structure/function; Has not been previously published as pathogenic or benign to our knowledge

ARUP Laboratories, Molecular Genetics and Genomics, ARUP Laboratories
Classification: Uncertain significance. Last evaluated: 2024-01-03. Review status: criteria provided, single submitter. Criteria: ARUP Molecular Germline Variant Investigation Process 2024. Collection method: clinical testing. Allele origin: germline.
Comment: The RYR1 c.13528G>A; p.Glu4510Lys variant, to our knowledge, is not reported in the medical literature or gene specific databases. This variant is also absent from the Genome Aggregation Database (v2.1.1), indicating it is not a common polymorphism. Computational analyses predict that this variant is neutral (REVEL: 0.405). However, given the lack of clinical and functional data, the significance of this variant is uncertain at this time.

PreventionGenetics, part of Exact Sciences
Classification: Uncertain significance for RYR1-related condition. Last evaluated: 2022-10-07. Review status: criteria provided, single submitter. Criteria: ACMG Guidelines, 2015. Collection method: clinical testing. Allele origin: germline.
Comment: The RYR1 c.13528G>A variant is predicted to result in the amino acid substitution p.Glu4510Lys. To our knowledge, this variant has not been reported in the literature or in a large population database, indicating this variant is rare. At this time, the clinical significance of this variant is uncertain due to the absence of conclusive functional and genetic evidence.

NM_000540.3(RYR1):c.13528G>A (p.Glu4510Lys)

Gene: RYR1 (ryanodine receptor 1; plus strand). Cytogenetic location: 19q13.2.
Variant type: single nucleotide variant.
Coding change: c.13528G>A on transcript NM_000540.3 (MANE Select); coding-DNA position 13528, G replaced by A.
Protein change: p.Glu4510Lys; replaces glutamic acid 4510 with lysine.
Molecular consequence: missense variant.
Genome position (GRCh38, 1-based): chr19:38,567,786, G>A. VCF-style: chr19-38567786-G-A. GRCh37 (hg19) VCF-style: chr19-39058426-G-A.
Other names: c.13513G>A, p.Glu4505Lys (NM_001042723.2); short protein forms E4505K, E4510K.
Identifiers: ClinVar variation 2636834 (VCV002636834.3), dbSNP rs779075901, ClinGen allele CA405677501.
Genomic context (GRCh38, chr19:38,567,786, plus strand): 5'-ATTGCCTGCCCAGGCACCTCCTGACCTCTCTCTGTCCTGCCCTGCAGTGCCGAGAATGGG[G>A]AGAAGGAAGAAGTTCCCGAGCCCACACCAGAGCCCCCCAAGAAGCAAGCACCTCCCTCAC-3'
Protein context (NP_000531.2, residues 4500-4520): EPEKADAENG[Glu4510Lys]KEEVPEPTPE